The following is an entry in ClinVar:

NM_000252.3(MTM1):c.1024G>A (p.Glu342Lys)

Gene: MTM1 (myotubularin 1; plus strand). Cytogenetic location: Xq28.
Variant type: single nucleotide variant.
Coding change: c.1024G>A on transcript NM_000252.3 (MANE Select); coding-DNA position 1024, G replaced by A.
Protein change: p.Glu342Lys; replaces glutamic acid 342 with lysine.
Molecular consequence: missense variant.
Genome position (GRCh38, 1-based): chrX:150,649,872, G>A. VCF-style: chrX-150649872-G-A. GRCh37 (hg19) VCF-style: chrX-149818345-G-A.
Other names: c.1024G>A, p.Glu342Lys (NM_001376906.1, NM_001376908.1); c.913G>A, p.Glu305Lys (NM_001376907.1); short protein forms E305K, E342K.
Identifiers: ClinVar variation 5019292 (VCV005019292.2).

ClinVar aggregate classification (germline): Uncertain significance (1 of 4 stars; one submission).

Conditions:
Severe X-linked myotubular myopathy (CNMX). Also called: Myotubular myopathy, X-linked; X-linked centronuclear myopathy; MYOTUBULAR MYOPATHY 1. Identifiers: Orphanet 596, MedGen C0410203, MONDO:0010683, OMIM 310400.

Submission:

Juno Genomics, Hangzhou Juno Genomics, Inc
Classification: Uncertain significance for Severe X-linked myotubular myopathy. Review status: criteria provided, single submitter. Criteria: ACMG Guidelines, 2015. Collection method: clinical testing. Allele origin: germline.
Comment: Absent from controls (or at extremely low frequency if recessive) in Genome Aggregation Database.;Multiple lines of computational evidence support a deleterious effect on the gene or gene product.